The following is an entry in ClinVar:

ClinVar aggregate classification (germline): Uncertain significance (1 of 4 stars; one submission).

Submission:

GeneDx
Classification: Uncertain significance. Last evaluated: 2023-12-14. Review status: criteria provided, single submitter. Criteria: GeneDx Variant Classification Process June 2021. Collection method: clinical testing. Allele origin: germline. Affected: yes.
Comment: Not observed at significant frequency in large population cohorts (gnomAD); In silico analysis supports that this missense variant has a deleterious effect on protein structure/function; Has not been previously published as pathogenic or benign to our knowledge

NM_139319.3(SLC17A8):c.1057G>A (p.Gly353Ser)

Gene: SLC17A8 (solute carrier family 17 member 8; plus strand). Cytogenetic location: 12q23.1.
Variant type: single nucleotide variant.
Coding change: c.1057G>A on transcript NM_139319.3 (MANE Select); coding-DNA position 1057, G replaced by A.
Protein change: p.Gly353Ser; replaces glycine 353 with serine.
Molecular consequence: missense variant.
Genome position (GRCh38, 1-based): chr12:100,404,041, G>A. VCF-style: chr12-100404041-G-A. GRCh37 (hg19) VCF-style: chr12-100797819-G-A.
Other names: c.907G>A, p.Gly303Ser (NM_001145288.2); short protein forms G303S, G353S.
Identifiers: ClinVar variation 3252759 (VCV003252759.1), dbSNP rs2136007166.